The following continues an entry in ClinVar:

NM_000089.4(COL1A2):c.3853A>C (p.Asn1285His)

Gene: COL1A2. ClinVar aggregate classification (germline): Conflicting classifications of pathogenicity. Uncertain significance (8); Benign (1); Likely benign (7).

Submissions 14 to 16 of 16:

Illumina Laboratory Services, Illumina
Classification: Likely benign for Osteogenesis imperfecta. Last evaluated: 2018-01-12. Review status: criteria provided, single submitter. Criteria: ICSL Variant Classification Criteria 13 December 2019. Collection method: clinical testing. Allele origin: germline.
Comment: This variant was observed in the ICSL laboratory as part of a predisposition screen in an ostensibly healthy population. It had not been previously curated by ICSL or reported in the Human Gene Mutation Database (HGMD: prior to June 1st, 2018), and was therefore a candidate for classification through an automated scoring system. Utilizing variant allele frequency, disease prevalence and penetrance estimates, and inheritance mode, an automated score was calculated to assess if this variant is too frequent to cause the disease. Based on the score and internal cut-off values, a variant classified as likely benign is not then subjected to further curation. The score for this variant resulted in a classification of likely benign for this disease.

Illumina Laboratory Services, Illumina
Classification: Benign for Ehlers-Danlos syndrome, arthrochalasia type, 2. Last evaluated: 2018-01-12. Review status: criteria provided, single submitter. Criteria: ICSL Variant Classification Criteria 13 December 2019. Collection method: clinical testing. Allele origin: germline.
Comment: This variant was observed in the ICSL laboratory as part of a predisposition screen in an ostensibly healthy population. It had not been previously curated by ICSL or reported in the Human Gene Mutation Database (HGMD: prior to June 1st, 2018), and was therefore a candidate for classification through an automated scoring system. Utilizing variant allele frequency, disease prevalence and penetrance estimates, and inheritance mode, an automated score was calculated to assess if this variant is too frequent to cause the disease. Based on the score and internal cut-off values, a variant classified as benign is not then subjected to further curation. The score for this variant resulted in a classification of benign for this disease.

GeneDx
Classification: Uncertain significance. Last evaluated: 2016-11-17. Review status: criteria provided, single submitter. Criteria: GeneDx Variant Classification (06012015). Collection method: clinical testing. Allele origin: germline. Affected: yes.
Comment: The N1285H variant in the COL1A2 gene has published as a variant of uncertain significance in a patient with OI who also harbored a known pathogenic variant in a different gene (Pollitt et al., 2006). Although not present in the homozygous state, the NHLBI ESP Exome Sequencing Project reports N1285H was observed in 10/8600 alleles (0.12%) from individuals of European background, indicating it may be a rare variant in this population. The N1285H variant is a semi-conservative amino acid substitution, which may impact secondary protein structure as these residues differ in some properties. This substitution occurs at a position that is not conserved. However, in silico analysis predicts this variant is probably damaging to the protein structure/function. We interpret N1285H as a variant of uncertain significance.Therefore, based on the currently available information, it is unclear whether this variant is pathogenic or rare benign. This result cannot be interpreted for diagnosis or used for family member screening at this time.

Literature cited by the submitters: PubMed 16786509 (cited by 3 submitters); PubMed 31780602 (cited by Mayo Clinic Laboratories, Mayo Clinic); PubMed 31794058 (cited by Mayo Clinic Laboratories, Mayo Clinic).